The following is an entry in ClinVar:

NM_001177316.2(SLC34A3):c.790G>A (p.Gly264Ser)

Gene: SLC34A3 (solute carrier family 34 member 3; plus strand). Cytogenetic location: 9q34.3.
Variant type: single nucleotide variant.
Coding change: c.790G>A on transcript NM_001177316.2 (MANE Select); coding-DNA position 790, G replaced by A.
Protein change: p.Gly264Ser; replaces glycine 264 with serine.
Molecular consequence: missense variant.
Genome position (GRCh38, 1-based): chr9:137,233,666, G>A. VCF-style: chr9-137233666-G-A. GRCh37 (hg19) VCF-style: chr9-140128118-G-A.
Other names: c.790G>A, p.Gly264Ser (NM_001177317.2, NM_080877.3); short protein forms G264S.
Identifiers: ClinVar variation 284859 (VCV000284859.24), dbSNP rs148072630, ClinGen allele CA5364596.

ClinVar aggregate classification (germline): Conflicting classifications of pathogenicity. Review status: criteria provided, conflicting classifications (1 of 4 stars). 10 submissions from 10 submitters: Uncertain significance (1); Likely benign (6). 3 of the submissions do not count toward it. Last evaluated 2026-01-16.

Conditions:
SLC34A3-related disorder. Also called: SLC34A3-related condition.
Autosomal recessive hypophosphatemic bone disease (HHRH). Also called: HYPERCALCIURIC RICKETS; Hypophosphatemic rickets with hypercalciuria. Identifiers: Orphanet 157215, MedGen C1853271, MONDO:0009431, OMIM 241530.

Allele frequency attached by ClinVar (database versions not stated): 1000 Genomes Project 30x 0.00031; 1000 Genomes Project 0.00040; ExAC 0.00085; gnomAD exomes 0.00097 and 0.00261; gnomAD 0.00144 and 0.00148; ESP Exome Variant Server 0.00146; TOPMed 0.00154.
gnomAD v4.1: 3,994 of 1,612,782 alleles (0.25%); highest among the groups gnomAD compares: Non-Finnish European, 0.32%; 2 homozygotes.

Submissions (10):

Labcorp Genetics (formerly Invitae), Labcorp
Classification: Likely benign. Last evaluated: 2026-01-16. Review status: criteria provided, single submitter. Criteria: Invitae Variant Classification Sherloc (09022015). Collection method: clinical testing. Allele origin: germline.

ARUP Laboratories, Molecular Genetics and Genomics, ARUP Laboratories
Classification: Likely benign for Autosomal recessive hypophosphatemic bone disease. Last evaluated: 2023-12-18. Review status: criteria provided, single submitter. Criteria: ARUP Molecular Germline Variant Investigation Process 2024. Collection method: clinical testing. Allele origin: germline.

Women's Health and Genetics/Laboratory Corporation of America, LabCorp
Classification: Likely benign. Last evaluated: 2023-03-21. Review status: criteria provided, single submitter. Criteria: LabCorp Variant Classification Summary - May 2015. Collection method: clinical testing. Allele origin: germline.
Comment: Variant summary: SLC34A3 c.790G>A (p.Gly264Ser) results in a non-conservative amino acid change in the encoded protein sequence. Three of four in-silico tools predict a benign effect of the variant on protein function. The variant allele was found at a frequency of 0.00097 in 250520 control chromosomes, predominantly at a frequency of 0.0019 within the Non-Finnish European subpopulation in the gnomAD database. The observed variant frequency within Non-Finnish European control individuals in the gnomAD database is approximately 1 fold of the estimated maximal expected allele frequency for a pathogenic variant in SLC34A3 causing Hereditary Hypophosphatemic Rickets With Hypercalciuria phenotype (0.0018), strongly suggesting that the variant is a benign polymorphism found primarily in populations of Non-Finnish European origin. To our knowledge, no occurrence of c.790G>A in individuals affected with Hereditary Hypophosphatemic Rickets With Hypercalciuria and no experimental evidence demonstrating its impact on protein function have been reported. Three clinical diagnostic laboratories have submitted clinical-significance assessments for this variant to ClinVar after 2014 and all classified the variant as likely benign. Based on the evidence outlined above, the variant was classified as likely benign.

GeneDx
Classification: Uncertain significance. Last evaluated: 2022-12-12. Review status: criteria provided, single submitter. Criteria: GeneDx Variant Classification Process June 2021. Collection method: clinical testing. Allele origin: germline. Affected: yes.
Comment: In silico analysis supports that this missense variant has a deleterious effect on protein structure/function; Has not been previously published as pathogenic or benign to our knowledge

Mendelics
Classification: Likely benign for Autosomal recessive hypophosphatemic bone disease. Last evaluated: 2019-05-28. Review status: criteria provided, single submitter. Criteria: Mendelics Assertion Criteria 2017. Collection method: clinical testing. Allele origin: unknown.

Eurofins Ntd Llc (ga)
Classification: Likely benign. Last evaluated: 2015-11-30. Review status: criteria provided, single submitter. Criteria: EGL Classification Definitions 2015. Collection method: clinical testing. Allele origin: germline. Observed: 1 variant allele, 1 heterozygote.

Breakthrough Genomics
Classification: Likely benign. Review status: criteria provided, single submitter. Criteria: ACMG Guidelines, 2015. Collection method: not provided. Allele origin: germline. Inheritance: Autosomal recessive inheritance. Affected: yes.

PreventionGenetics, part of Exact Sciences
Classification: Likely benign for SLC34A3-related condition. Last evaluated: 2022-02-25. Review status: no assertion criteria provided. Collection method: clinical testing. Allele origin: germline. Not counted in ClinVar's aggregate classification.
Comment: This variant is classified as likely benign based on ACMG/AMP sequence variant interpretation guidelines (Richards et al. 2015 PMID: 25741868, with internal and published modifications).

Clinical Genetics DNA and cytogenetics Diagnostics Lab, Erasmus MC, Erasmus Medical Center
Classification: Likely benign. Review status: no assertion criteria provided. Collection method: clinical testing. Allele origin: germline. Affected: yes. Study: VKGL Data-share Consensus. Not counted in ClinVar's aggregate classification.

Genome Diagnostics Laboratory, University Medical Center Utrecht
Classification: Benign. Review status: no assertion criteria provided. Collection method: clinical testing. Allele origin: germline. Affected: yes. Study: VKGL Data-share Consensus. Not counted in ClinVar's aggregate classification.